The following is an entry in ClinVar:

NM_001347721.2(DYRK1A):c.450C>T (p.Tyr150=)

Gene: DYRK1A (dual specificity tyrosine phosphorylation regulated kinase 1A; plus strand). Cytogenetic location: 21q22.13.
Variant type: single nucleotide variant.
Coding change: c.450C>T on transcript NM_001347721.2 (MANE Select); coding-DNA position 450, C replaced by T.
Protein change: p.Tyr150=; no amino-acid change (tyrosine 150 retained).
Molecular consequence: synonymous variant.
Genome position (GRCh38, 1-based): chr21:37,480,787, C>T. VCF-style: chr21-37480787-C-T. GRCh37 (hg19) VCF-style: chr21-38853089-C-T.
Other names: c.450C>T, p.Tyr150= (NM_001347722.2, NM_130436.2); c.363C>T, p.Tyr121= (NM_001347723.2); c.477C>T, p.Tyr159= (NM_001396.5, NM_101395.2, NM_130438.2).
Identifiers: ClinVar variation 753666 (VCV000753666.36), dbSNP rs1049773, ClinGen allele CA10023791.

ClinVar aggregate classification (germline): Likely benign. Review status: criteria provided, multiple submitters, no conflicts (2 of 4 stars). 3 submissions from 3 submitters: Likely benign (3). Last evaluated 2025-09-03.

Conditions:
DYRK1A-related intellectual disability syndrome (MRD7). Also called: DYRK1A Syndrome; Intellectual developmental disorder, autosomal dominant 7. Identifiers: Orphanet 464306, MedGen C5568143, MONDO:0013578, OMIM 614104.

Allele frequency attached by ClinVar (database versions not stated): TOPMed 0.00003; gnomAD exomes 0.00005; ExAC 0.00007; ESP Exome Variant Server 0.00008; gnomAD 0.00004 and 0.00005.
gnomAD v4.1: 52 of 1,607,820 alleles (0.0032%); highest among the groups gnomAD compares: Admixed American, 0.014%; no homozygotes.

Submissions (3):

Labcorp Genetics (formerly Invitae), Labcorp
Classification: Likely benign for DYRK1A-related intellectual disability syndrome. Last evaluated: 2025-09-03. Review status: criteria provided, single submitter. Criteria: Invitae Variant Classification Sherloc (09022015). Collection method: clinical testing. Allele origin: germline.

CeGaT Center for Human Genetics Tuebingen
Classification: Likely benign. Last evaluated: 2023-11-01. Review status: criteria provided, single submitter. Criteria: CeGaT Center For Human Genetics Tuebingen Variant Classification Criteria Version 2. Collection method: clinical testing. Allele origin: germline. Affected: yes. Observed: 2 variant alleles.
Comment: DYRK1A: BP4, BP7

GeneDx
Classification: Likely benign. Last evaluated: 2020-12-14. Review status: criteria provided, single submitter. Criteria: GeneDx Variant Classification Process June 2021. Collection method: clinical testing. Allele origin: germline. Affected: yes.